The following is an entry in ClinVar:

NM_004360.5(CDH1):c.2092G>C (p.Ala698Pro)

Gene: CDH1 (cadherin 1; plus strand). Cytogenetic location: 16q22.1.
Variant type: single nucleotide variant.
Coding change: c.2092G>C on transcript NM_004360.5 (MANE Select); coding-DNA position 2092, G replaced by C.
Protein change: p.Ala698Pro; replaces alanine 698 with proline.
Molecular consequence: missense variant.
Genome position (GRCh38, 1-based): chr16:68,823,554, G>C. VCF-style: chr16-68823554-G-C. GRCh37 (hg19) VCF-style: chr16-68857457-G-C.
Other names: c.1909G>C, p.Ala637Pro (NM_001317184.2); c.544G>C, p.Ala182Pro (NM_001317185.2); c.127G>C, p.Ala43Pro (NM_001317186.2); short protein forms A698P, A182P, A43P, A637P.
Identifiers: ClinVar variation 627656 (VCV000627656.4), dbSNP rs1167040681, ClinGen allele CA396467837.
Genomic context (GRCh38, chr16:68,823,554, plus strand): 5'-GTGACCACCTTAGAGGTCAGCGTGTGTGACTGTGAAGGGGCCGCTGGCGTCTGTAGGAAG[G>C]CACAGCCTGTCGAAGCAGGATTGCAAATTCCTGCCATTCTGGGGATTCTTGGAGGAATTC-3'
Protein context (NP_004351.1, residues 688-708): CEGAAGVCRK[Ala698Pro]QPVEAGLQIP

ClinVar aggregate classification (germline): Conflicting classifications of pathogenicity. Review status: criteria provided, conflicting classifications (1 of 4 stars). 3 submissions from 3 submitters: Uncertain significance (2); Likely benign (1). Last evaluated 2024-04-25.

Conditions:
Hereditary cancer-predisposing syndrome. Also called: Tumor predisposition; Hereditary Cancer Syndrome; Neoplastic Syndromes, Hereditary; Hereditary neoplastic syndrome. Identifiers: Orphanet 140162, MedGen C0027672, MeSH D009386, MONDO:0015356.

Submissions (3):

Ambry Genetics
Classification: Likely benign for Hereditary cancer-predisposing syndrome. Last evaluated: 2024-04-25. Review status: criteria provided, single submitter. Criteria: Ambry Variant Classification Scheme 2023. Collection method: clinical testing. Allele origin: germline.

GeneDx
Classification: Uncertain significance. Last evaluated: 2022-07-11. Review status: criteria provided, single submitter. Criteria: GeneDx Variant Classification Process June 2021. Collection method: clinical testing. Allele origin: germline. Affected: yes.
Comment: Observed in patients with breast cancer in published literature (Momozawa et al., 2018); Not observed at significant frequency in large population cohorts (gnomAD); In silico analysis supports that this missense variant does not alter protein structure/function; This variant is associated with the following publications: (PMID: 15235021, 22850631, 30287823)

Color Diagnostics, LLC DBA Color Health
Classification: Uncertain significance for Hereditary cancer-predisposing syndrome. Last evaluated: 2018-07-26. Review status: criteria provided, single submitter. Criteria: ACMG Guidelines, 2015. Collection method: clinical testing. Allele origin: germline.